The following is an entry in ClinVar:

ClinVar aggregate classification (germline): Likely pathogenic (1 of 4 stars; one submission).

Conditions:
Mucopolysaccharidosis, MPS-IV-B (MPS4B). Also called: MORQUIO SYNDROME B; Mucopolysaccharidosis type 4B; Mucopolysaccharidosis type IVB (Morquio); MPS IVB; Mucopolysaccharidosis type IV B; Mucopolysaccharidosis Type IVB. Identifiers: Orphanet 309310, Orphanet 582, MedGen C0086652, MONDO:0009660, OMIM 253010.

Submission:

Natera, Inc.
Classification: Likely pathogenic for Mucopolysaccharidosis, MPS-IV-B. Last evaluated: 2025-04-28. Review status: criteria provided, single submitter. Criteria: Natera Variant Classification Schema (03/2026). Collection method: clinical testing. Allele origin: germline.
Comment: The c.1396delinsGGG variant in GLB1 is a frameshift variant predicted to shift the reading frame beginning at codon 466 and leads to a stop codon 13 codons downstream. This variant is expected to result in nonsense mediated decay, truncation, or a dysfunctional protein product. This variant is rare in the general population with a frequency below the threshold expected for the associated phenotype(s). Given the available evidence, this variant is classified as Likely Pathogenic.

NM_000404.4(GLB1):c.1396delinsGGG (p.Thr466fs)

Gene: GLB1 (galactosidase beta 1; minus strand). Cytogenetic location: 3p22.3.
Variant type: Indel.
Coding change: c.1396delinsGGG on transcript NM_000404.4 (MANE Select); coding-DNA position 1396, A replaced by GGG.
Protein change: p.Thr466fs; shifts the reading frame from threonine 466.
Molecular consequence: frameshift variant.
Genome position (GRCh38, 1-based): chr3:33,016,792, T replaced by CCC on the plus strand (A replaced by GGG on the coding strand, the reverse complement: GLB1 is on the minus strand). VCF-style: chr3-33016792-T-CCC. GRCh37 (hg19) VCF-style: chr3-33058284-T-CCC.
Other names: c.1306delinsGGG, p.Thr436fs (NM_001079811.3); c.1003delinsGGG, p.Thr335fs (NM_001135602.3); c.1540delinsGGG, p.Thr514fs (NM_001317040.2); c.1396delinsGGG, p.Thr466fs (NM_001393580.1); short protein forms T335fs, T436fs, T466fs, T514fs.
Identifiers: ClinVar variation 4818313 (VCV004818313.1).